The following is an entry in ClinVar:

NM_003620.4(PPM1D):c.1451T>G (p.Leu484Ter)

Gene: PPM1D (protein phosphatase, Mg2+/Mn2+ dependent 1D; plus strand). Cytogenetic location: 17q23.2.
Variant type: single nucleotide variant.
Coding change: c.1451T>G on transcript NM_003620.4 (MANE Select); coding-DNA position 1451, T replaced by G.
Protein change: p.Leu484Ter; replaces leucine 484 with a stop codon.
Molecular consequence: nonsense.
Genome position (GRCh38, 1-based): chr17:60,663,185, T>G. VCF-style: chr17-60663185-T-G. GRCh37 (hg19) VCF-style: chr17-58740546-T-G.
Other names: short protein forms L484*.
Identifiers: ClinVar variation 488841 (VCV000488841.6), dbSNP rs766524048, ClinGen allele CA400457374.

ClinVar aggregate classification (germline): Pathogenic (1 of 4 stars; one submission).

gnomAD v4.1: 1 of 1,614,150 alleles (0.000062%); highest among the groups gnomAD compares: Non-Finnish European, 0.000085%; no homozygotes.

Submission:

GeneDx
Classification: Pathogenic. Last evaluated: 2025-03-10. Review status: criteria provided, single submitter. Criteria: GeneDx Variant Classification Process June 2021. Collection method: clinical testing. Allele origin: germline. Affected: yes.
Comment: Nonsense variant predicted to result in protein truncation, as the last 122 amino acids are lost, and other loss-of-function variants have been reported downstream in HGMD; This variant is associated with the following publications: (PMID: 24880341, 26847329, 23649806, 25466181, Wang2021[article], 23242139, 37183572, 35982159, 33057194)